The following is an entry in ClinVar:

NM_000548.5(TSC2):c.2793C>T (p.Asp931=)

Gene: TSC2 (TSC complex subunit 2; plus strand). Cytogenetic location: 16p13.3.
Variant type: single nucleotide variant.
Coding change: c.2793C>T on transcript NM_000548.5 (MANE Select); coding-DNA position 2793, C replaced by T.
Protein change: p.Asp931=; no amino-acid change (aspartic acid 931 retained).
Molecular consequence: synonymous variant.
Genome position (GRCh38, 1-based): chr16:2,076,541, C>T. VCF-style: chr16-2076541-C-T. GRCh37 (hg19) VCF-style: chr16-2126542-C-T.
Other names: c.2793C>T, p.Asp931= (NM_001077183.3, NM_001114382.3, NM_001363528.2 and 3 more transcripts); c.2682C>T, p.Asp894= (NM_001318827.2); c.2646C>T, p.Asp882= (NM_001318829.2); c.2193C>T, p.Asp731= (NM_001318831.2); c.2826C>T, p.Asp942= (NM_001318832.2); c.2793C>T (NM_000548.3).
Identifiers: ClinVar variation 1653013 (VCV001653013.10), dbSNP rs2151395350, ClinGen allele CA492954491.
Genomic context (GRCh38, chr16:2,076,541, plus strand): 5'-ACTCTGCCAGGGCCTGCGGTCCAATGTCCTCTTGTCTTTTGATGACACCCCCGAGAAGGA[C>T]AGCTTCAGGGCCCGGAGTACTAGTCTCAACGAGAGACCCAAGAGGTACGGCCTGCGGGGG-3'
Protein context (NP_000539.2, residues 921-941): LLSFDDTPEK[Asp931=]SFRARSTSLN

ClinVar aggregate classification (germline): Benign/Likely benign. Review status: criteria provided, multiple submitters, no conflicts (2 of 4 stars). 3 submissions from 3 submitters: Benign (1); Likely benign (2). Last evaluated 2025-05-27.

Conditions:
Hereditary cancer-predisposing syndrome. Also called: Hereditary Cancer Syndrome; Neoplastic Syndromes, Hereditary; Hereditary neoplastic syndrome; Tumor predisposition. Identifiers: Orphanet 140162, MedGen C0027672, MeSH D009386, MONDO:0015356.
Tuberous sclerosis 2 (TSC2). Identifiers: Orphanet 805, MedGen C1860707, MONDO:0013199, OMIM 613254.

gnomAD v4.1: 3 of 1,613,526 alleles (0.00019%); highest among the groups gnomAD compares: Non-Finnish European, 0.00025%; no homozygotes.

Submissions (3):

Myriad Genetics, Inc.
Classification: Benign for Tuberous sclerosis 2. Last evaluated: 2025-05-27. Review status: criteria provided, single submitter. Criteria: Myriad Autosomal Dominant, Autosomal Recessive and X-Linked Classification Criteria (2023). Collection method: clinical testing. Allele origin: unknown.
Comment: This variant is considered benign. This variant is a silent/synonymous amino acid change and it is not expected to impact splicing.

Labcorp Genetics (formerly Invitae), Labcorp
Classification: Likely benign for Tuberous sclerosis 2. Last evaluated: 2025-04-07. Review status: criteria provided, single submitter. Criteria: Invitae Variant Classification Sherloc (09022015). Collection method: clinical testing. Allele origin: germline.

Ambry Genetics
Classification: Likely benign for Hereditary cancer-predisposing syndrome. Last evaluated: 2025-03-08. Review status: criteria provided, single submitter. Criteria: Ambry Variant Classification Scheme 2023. Collection method: clinical testing. Allele origin: germline.